The following is an entry in ClinVar:

NM_001429.4(EP300):c.1111A>G (p.Thr371Ala)

Gene: EP300 (EP300 lysine acetyltransferase; plus strand). Cytogenetic location: 22q13.2.
Variant type: single nucleotide variant.
Coding change: c.1111A>G on transcript NM_001429.4 (MANE Select); coding-DNA position 1111, A replaced by G.
Protein change: p.Thr371Ala; replaces threonine 371 with alanine.
Molecular consequence: missense variant.
Genome position (GRCh38, 1-based): chr22:41,127,691, A>G. VCF-style: chr22-41127691-A-G. GRCh37 (hg19) VCF-style: chr22-41523695-A-G.
Other names: c.1111A>G, p.Thr371Ala (NM_001362843.2); short protein forms T371A.
Identifiers: ClinVar variation 4823915 (VCV004823915.1).

ClinVar aggregate classification (germline): Likely pathogenic (1 of 4 stars; one submission).

Conditions:
Rubinstein-Taybi syndrome due to EP300 haploinsufficiency. Also called: RUBINSTEIN-TAYBI SYNDROME 2; EP300-Related Rubinstein-Taybi Syndrome. Identifiers: Orphanet 353284, Orphanet 783, MedGen C3150941, MONDO:0013364, OMIM 613684.

Submission:

Gansu Provincial Maternity and Child Care Hospital
Classification: Likely pathogenic for Rubinstein-Taybi syndrome due to EP300 haploinsufficiency. Last evaluated: 2026-04-12. Review status: criteria provided, single submitter. Criteria: ACMG Guidelines, 2015. Collection method: clinical testing. Allele origin: de novo. Inheritance: Autosomal dominant inheritance. Affected: yes.
Comment: Parental verification confirmed it as a de novo variant (PS2). This site is not recorded in the gnomAD database (PM2_supporting).Multiple in silico tools predicted a deleterious effect (PP3).This variant is classified as Likely pathogenic.